The following is an entry in ClinVar:

ClinVar aggregate classification (germline): Likely benign. Review status: criteria provided, multiple submitters, no conflicts (2 of 4 stars). 2 submissions from 2 submitters: Likely benign (2). Last evaluated 2025-11-10.

Conditions:
Emery-Dreifuss muscular dystrophy 5, autosomal dominant (EDMD5). Also called: EMERY-DREIFUSS MUSCULAR DYSTROPHY 5. Identifiers: Orphanet 261, MedGen C2751805, MONDO:0013072, OMIM 612999.

Allele frequency attached by ClinVar (database versions not stated): ExAC 0.00003; gnomAD exomes 0.00003 and 0.00006; TOPMed 0.00005; gnomAD 0.00006 and 0.00007.
gnomAD v4.1: 93 of 1,613,944 alleles (0.0058%); highest among the groups gnomAD compares: Non-Finnish European, 0.0076%; no homozygotes.

Submissions (2):

Labcorp Genetics (formerly Invitae), Labcorp
Classification: Likely benign for Emery-Dreifuss muscular dystrophy 5, autosomal dominant. Last evaluated: 2025-11-10. Review status: criteria provided, single submitter. Criteria: Invitae Variant Classification Sherloc (09022015). Collection method: clinical testing. Allele origin: germline.

CeGaT Center for Human Genetics Tuebingen
Classification: Likely benign. Last evaluated: 2025-11-01. Review status: criteria provided, single submitter. Criteria: CeGaT Center For Human Genetics Tuebingen Variant Classification Criteria Version 2. Collection method: clinical testing. Allele origin: germline. Affected: yes. Observed: 1 variant allele.
Comment: SYNE2: BP4, BP7

NM_182914.3(SYNE2):c.9813C>T (p.Ser3271=)

Gene: SYNE2 (spectrin repeat containing nuclear envelope protein 2; plus strand). Cytogenetic location: 14q23.2.
Variant type: single nucleotide variant.
Coding change: c.9813C>T on transcript NM_182914.3 (MANE Select); coding-DNA position 9813, C replaced by T.
Protein change: p.Ser3271=; no amino-acid change (serine 3271 retained).
Molecular consequence: synonymous variant.
Genome position (GRCh38, 1-based): chr14:64,056,012, C>T. VCF-style: chr14-64056012-C-T. GRCh37 (hg19) VCF-style: chr14-64522730-C-T.
Other names: c.9813C>T, p.Ser3271= (NM_015180.6).
Identifiers: ClinVar variation 767554 (VCV000767554.15), dbSNP rs764422613, ClinGen allele CA7221361.